The following is an entry in ClinVar:

NM_206933.4(USH2A):c.8551A>G (p.Asn2851Asp)

Gene: USH2A (usherin; minus strand). Cytogenetic location: 1q41.
Variant type: single nucleotide variant.
Coding change: c.8551A>G on transcript NM_206933.4 (MANE Select); coding-DNA position 8551, A replaced by G.
Protein change: p.Asn2851Asp; replaces asparagine 2851 with aspartic acid.
Molecular consequence: missense variant.
Genome position (GRCh38, 1-based): chr1:215,878,771, T>C on the plus strand (A>G on the coding strand, the complement: USH2A is on the minus strand). VCF-style: chr1-215878771-T-C. GRCh37 (hg19) VCF-style: chr1-216052113-T-C.
Other names: c.8551A>G (NM_206933.2); short protein forms N2851D.
Identifiers: ClinVar variation 1966454 (VCV001966454.3), dbSNP rs377730885, ClinGen allele CA1394592.

ClinVar aggregate classification (germline): Uncertain significance. Review status: criteria provided, multiple submitters, no conflicts (2 of 4 stars). 2 submissions from 2 submitters: Uncertain significance (2). Last evaluated 2025-06-14.

Allele frequency attached by ClinVar (database versions not stated): TOPMed 0.00002; gnomAD 0.00003; gnomAD exomes below 0.00001; ExAC 0.00001; ESP Exome Variant Server 0.00008.
gnomAD v4.1: 6 of 1,613,824 alleles (0.00037%); highest among the groups gnomAD compares: African/African-American, 0.0067%; no homozygotes.

Submissions (2):

GeneDx
Classification: Uncertain significance. Last evaluated: 2025-06-14. Review status: criteria provided, single submitter. Criteria: GeneDx Variant Classification Process June 2021. Collection method: clinical testing. Allele origin: germline. Affected: yes.
Comment: Not observed at significant frequency in large population cohorts (gnomAD); In silico analysis suggests that this missense variant does not alter protein structure/function; Has not been previously published as pathogenic or benign to our knowledge

Labcorp Genetics (formerly Invitae), Labcorp
Classification: Uncertain significance. Last evaluated: 2022-07-26. Review status: criteria provided, single submitter. Criteria: Invitae Variant Classification Sherloc (09022015). Collection method: clinical testing. Allele origin: germline.
Comment: This sequence change replaces asparagine, which is neutral and polar, with aspartic acid, which is acidic and polar, at codon 2851 of the USH2A protein (p.Asn2851Asp). This variant is present in population databases (rs377730885, gnomAD 0.007%). This variant has not been reported in the literature in individuals affected with USH2A-related conditions. Algorithms developed to predict the effect of missense changes on protein structure and function output the following: SIFT: "Tolerated"; PolyPhen-2: "Benign"; Align-GVGD: "Class C0". The aspartic acid amino acid residue is found in multiple mammalian species, which suggests that this missense change does not adversely affect protein function. In summary, the available evidence is currently insufficient to determine the role of this variant in disease. Therefore, it has been classified as a Variant of Uncertain Significance.